The following is an entry in ClinVar:

NM_001365951.3(KIF1B):c.5324G>A (p.Arg1775His)

Gene: KIF1B (kinesin family member 1B; plus strand). Cytogenetic location: 1p36.22.
Variant type: single nucleotide variant.
Coding change: c.5324G>A on transcript NM_001365951.3 (MANE Select); coding-DNA position 5324, G replaced by A.
Protein change: p.Arg1775His; replaces arginine 1775 with histidine.
Molecular consequence: missense variant.
Genome position (GRCh38, 1-based): chr1:10,375,289, G>A. VCF-style: chr1-10375289-G-A. GRCh37 (hg19) VCF-style: chr1-10435347-G-A.
Other names: c.5324G>A, p.Arg1775His (NM_001365952.1); c.5186G>A, p.Arg1729His (NM_015074.3); short protein forms R1775H, R1729H.
Identifiers: ClinVar variation 855935 (VCV000855935.11), dbSNP rs374303355, ClinGen allele CA582318.

ClinVar aggregate classification (germline): Conflicting classifications of pathogenicity. Review status: criteria provided, conflicting classifications (1 of 4 stars). 3 submissions from 3 submitters: Uncertain significance (2); Likely benign (1). Last evaluated 2025-07-25.

Conditions:
Gait ataxia. Identifiers: MedGen C0751837, HP:0002066.
Charcot-Marie-Tooth disease type 2. Also called: Charcot-Marie-Tooth type 2. Identifiers: Orphanet 64746, MedGen C0270914, MONDO:0018993.

Allele frequency attached by ClinVar (database versions not stated): gnomAD exomes 0.00002; gnomAD 0.00004 and 0.00005; ExAC 0.00002; TOPMed 0.00004; ESP Exome Variant Server 0.00008.
gnomAD v4.1: 17 of 1,614,002 alleles (0.0011%); highest among the groups gnomAD compares: Middle Eastern, 0.033%; no homozygotes.

Submissions (3):

Clinical Genetics Laboratory, Skane University Hospital Lund
Classification: Uncertain significance for Gait ataxia. Last evaluated: 2025-07-25. Review status: criteria provided, single submitter. Criteria: ACMG Guidelines, 2015. Collection method: clinical testing. Allele origin: germline.
Comment: No ACMG criteria applicable. Phenotype not consistent with KIF1B-related conditions.

Labcorp Genetics (formerly Invitae), Labcorp
Classification: Uncertain significance for Charcot-Marie-Tooth disease type 2. Last evaluated: 2025-05-18. Review status: criteria provided, single submitter. Criteria: Invitae Variant Classification Sherloc (09022015). Collection method: clinical testing. Allele origin: germline.
Comment: This sequence change replaces arginine, which is basic and polar, with histidine, which is basic and polar, at codon 1729 of the KIF1B protein (p.Arg1729His). This variant is present in population databases (rs374303355, gnomAD 0.02%). This variant has not been reported in the literature in individuals affected with KIF1B-related conditions. ClinVar contains an entry for this variant (Variation ID: 855935). An algorithm developed to predict the effect of missense changes on protein structure and function (PolyPhen-2) suggests that this variant is likely to be disruptive. In summary, the available evidence is currently insufficient to determine the role of this variant in disease. Therefore, it has been classified as a Variant of Uncertain Significance.

Ambry Genetics
Classification: Likely benign. Last evaluated: 2020-12-03. Review status: criteria provided, single submitter. Criteria: Ambry Variant Classification Scheme 2023. Collection method: clinical testing. Allele origin: germline.